The following is an entry in ClinVar:

NM_000287.4(PEX6):c.2124_2127del (p.Gly709fs)

Gene: PEX6 (peroxisomal biogenesis factor 6; minus strand). Cytogenetic location: 6p21.1.
Variant type: Microsatellite.
Coding change: c.2124_2127del on transcript NM_000287.4 (MANE Select); coding-DNA positions 2124 to 2127, 4 bases deleted (TGGG; older notation c.2124_2127delTGGG).
Protein change: p.Gly709fs; shifts the reading frame from glycine 709.
Molecular consequence: frameshift variant.
Genome position (GRCh38, 1-based): chr6:42,966,415-42,966,418, CCCA deleted on the plus strand (TGGG on the coding strand, the reverse complement: PEX6 is on the minus strand); deleting any 4 consecutive bases within chr6:42,966,415-42,966,423 gives the same sequence; the c. name uses the placement nearest the transcript's 3' end. VCF-style (leftmost placement, unchanged base first): chr6-42966414-GCCCA-G. GRCh37 (hg19) VCF-style: chr6-42934152-GCCCA-G.
Other names: c.1860_1863del, p.Gly621fs (NM_001316313.2); short protein forms G621fs, G709fs.
Identifiers: ClinVar variation 2498077 (VCV002498077.2), dbSNP rs2481208884, ClinGen allele CA2580614885.

ClinVar aggregate classification (germline): Likely pathogenic (1 of 4 stars; one submission).

Conditions:
Peroxisome biogenesis disorder 4A (Zellweger) (PBD4A). Also called: Zellweger syndrome spectrum (PEX6-related). Identifiers: Orphanet 912, MedGen C3553936, MONDO:0013930, OMIM 614862. Disease mechanism: loss of function.

Submission:

Payam Genetics Center, General Welfare Department of North Khorasan Province
Classification: Likely pathogenic for Peroxisome biogenesis disorder 4A (Zellweger). Last evaluated: 2023-03-01. Review status: criteria provided, single submitter. Criteria: ACMG Guidelines, 2015. Collection method: clinical testing. Allele origin: germline. Affected: no. Observed: 1 variant allele.
Comment: The PEX6 c.2124_2127 delTGGG (p.Gly708fs) results in a premature termination codon, predicted to cause a truncation of the encoded protein or absence of the protein due to nonsense mediated decay, which are commonly known mechanisms for disease. Truncations downstream of this position have been classified as pathogenic within ClinVar.